The following is an entry in ClinVar:

NM_152594.3(SPRED1):c.349C>T (p.Arg117Ter)

Gene: SPRED1 (sprouty related EVH1 domain containing 1; plus strand). Cytogenetic location: 15q14.
Variant type: single nucleotide variant.
Coding change: c.349C>T on transcript NM_152594.3 (MANE Select); coding-DNA position 349, C replaced by T.
Protein change: p.Arg117Ter; replaces arginine 117 with a stop codon.
Molecular consequence: nonsense.
Genome position (GRCh38, 1-based): chr15:38,322,382, C>T. VCF-style: chr15-38322382-C-T. GRCh37 (hg19) VCF-style: chr15-38614583-C-T.
Other names: short protein forms R117*.
Identifiers: ClinVar variation 1809 (VCV000001809.26), dbSNP rs121434312, ClinGen allele CA251949.
Genomic context (GRCh38, chr15:38,322,382, plus strand): 5'-AAGAAGTTTGGTCTTACGTTTCAAAGTCCTGCTGATGCTAGGGCTTTTGATAGAGGTATC[C>T]GAAGAGCTATAGAGGATATTTCTCAAGGTAGGTATTCTTGACTATTTTCTTAATTTATTT-3'

ClinVar aggregate classification (germline): Pathogenic. Review status: criteria provided, multiple submitters, no conflicts (2 of 4 stars). 8 submissions from 8 submitters: Pathogenic (7). 1 of the submissions does not count toward it. Last evaluated 2026-05-06.

Conditions:
SPRED1-related disorder. Also called: SPRED1-related condition.
Noonan syndrome and Noonan-related syndrome. Identifiers: Orphanet 98733, MedGen C5681679, MONDO:0020297.
Cardiovascular phenotype. Identifiers: MedGen CN230736.
Legius syndrome. Identifiers: Orphanet 137605, MedGen C1969623, MONDO:0012669, OMIM 611431. Disease mechanism: loss of function.
Neurodevelopmental delay. Identifiers: MedGen C4022738, HP:0012758.

Allele frequency attached by ClinVar (database versions not stated): gnomAD exomes below 0.00001.
gnomAD v4.1: 3 of 1,613,622 alleles (0.00019%); highest among the groups gnomAD compares: Non-Finnish European, 0.00025%; no homozygotes.

Submissions (8):

PreventionGenetics, part of Exact Sciences
Classification: Pathogenic for SPRED1-related condition. Last evaluated: 2026-05-06. Review status: criteria provided, single submitter. Criteria: ACMG Guidelines, 2015. Collection method: clinical testing. Allele origin: germline.
Comment: The SPRED1 c.349C>T variant is predicted to result in premature protein termination (p.Arg117*). This variant was reported in individuals with clinical features consistent with Legius syndrome, also known as neurofibromatosis type 1-like syndrome (Brems et al. 2007. PubMed ID: 17704776; Sakai et al. 2015. PubMed ID: 25981987; Tucci et al. 2017. PubMed ID: 28747691; Bianchessi et al. 2020. PubMed ID: 32575496; Denayer et al. 2011. PubMed ID: 21089071; Laycock-van Spyk et al. 2011. PubMed ID: 21649642). This variant is not reported in gnomAD indicating it is rare, and is classified as pathogenic in ClinVar (Variation ID: 1809). Nonsense variants in SPRED1 are expected to be pathogenic. This variant is interpreted as pathogenic.

Labcorp Genetics (formerly Invitae), Labcorp
Classification: Pathogenic for Legius syndrome. Last evaluated: 2025-11-18. Review status: criteria provided, single submitter. Criteria: Invitae Variant Classification Sherloc (09022015). Collection method: clinical testing. Allele origin: germline.
Comment: This sequence change creates a premature translational stop signal (p.Arg117*) in the SPRED1 gene. It is expected to result in an absent or disrupted protein product. Loss-of-function variants in SPRED1 are known to be pathogenic (PMID: 17704776). This variant is not present in population databases (gnomAD no frequency). This premature translational stop signal has been observed in individual(s) with Legius syndrome, also known as neurofibromatosis type 1-like syndrome (PMID: 17704776, 21089071, 21649642, 25981987). Invitae Evidence Modeling of clinical and family history, age, sex, and reported ancestry of multiple individuals with this SPRED1 variant has been performed. This variant is expected to be pathogenic with a positive predictive value of at least 99%. This is a validated machine learning model that incorporates the clinical features of 198,265 individuals referred to our laboratory for SPRED1 testing. ClinVar contains an entry for this variant (Variation ID: 1809). For these reasons, this variant has been classified as Pathogenic.

Blueprint Genetics
Classification: Pathogenic for SPRED1-related disorders. Last evaluated: 2024-05-24. Review status: criteria provided, single submitter. Criteria: ACMG Guidelines, 2015. Collection method: clinical testing. Allele origin: germline. Affected: yes. Observed: 2 variant alleles.

GeneDx
Classification: Pathogenic. Last evaluated: 2022-07-06. Review status: criteria provided, single submitter. Criteria: GeneDx Variant Classification Process June 2021. Collection method: clinical testing. Allele origin: germline. Affected: yes.
Comment: Nonsense variant predicted to result in protein truncation or nonsense mediated decay in a gene for which loss-of-function is a known mechanism of disease; Not observed at significant frequency in large population cohorts (gnomAD); This variant is associated with the following publications: (PMID: 25156025, 25525159, 28747691, 21649642, 21089071, 25981987, 17704776)

Ambry Genetics
Classification: Pathogenic for Cardiovascular phenotype. Last evaluated: 2021-01-22. Review status: criteria provided, single submitter. Criteria: Ambry Variant Classification Scheme 2023. Collection method: clinical testing. Allele origin: germline.
Comment: The p.R117* pathogenic mutation (also known as c.349C>T), located in coding exon 3 of the SPRED1 gene, results from a C to T substitution at nucleotide position 349. This changes the amino acid from an arginine to a stop codon within coding exon 3. This mutation has been detected in numerous individuals with Legius syndrome and/or neurofibromatosis type 1 (NF1)-like phenotypes, including families showing significant co-segregation (Brems H et al. Nat Genet, 2007 Sep;39:1120-6; Laycock-van Spyk S et al. Clin Genet, 2011 Jul;80:93-6; Denayer E et al. Hum Mutat, 2011 Jan;32:E1985-98; (Pasmant E et al. Eur J Hum Genet, 2015 May;23:596-601; Sakai N et al. J Dermatol, 2015 Jul;42:703-5; Bianchessi D et al. Genes (Basel), 2020 06;11:[Epub ahead of print]). In addition to the clinical data presented in the literature, this alteration is expected to result in loss of function by premature protein truncation or nonsense-mediated mRNA decay. As such, this alteration is interpreted as a disease-causing mutation.

Genome Diagnostics Laboratory, The Hospital for Sick Children
Classification: Pathogenic for Noonan syndrome and Noonan-related syndrome. Last evaluated: 2019-08-01. Review status: criteria provided, single submitter. Criteria: ACMG Guidelines, 2015. Collection method: clinical testing. Allele origin: germline. Affected: yes.

Centre de Biologie Pathologie Génétique, Centre Hospitalier Universitaire de Lille
Classification: Pathogenic for Neurodevelopmental delay. Review status: criteria provided, single submitter. Criteria: ACMG Guidelines, 2015. Collection method: clinical testing. Allele origin: inherited. Affected: yes.

OMIM
Classification: Pathogenic for LEGIUS SYNDROME. Last evaluated: 2007-09-01. Review status: no assertion criteria provided. Collection method: literature only. Allele origin: germline. Not counted in ClinVar's aggregate classification.

Literature cited by the submitters: PubMed 17704776 (cited by 3 submitters); PubMed 21089071 (cited by Labcorp Genetics (formerly Invitae), Labcorp and Ambry Genetics); PubMed 21649642 (cited by Labcorp Genetics (formerly Invitae), Labcorp and Ambry Genetics); PubMed 25981987 (cited by Labcorp Genetics (formerly Invitae), Labcorp and Ambry Genetics); PubMed 19920235 (cited by Ambry Genetics); PubMed 25074460 (cited by Ambry Genetics); PubMed 32575496 (cited by Ambry Genetics).